The following is an entry in ClinVar:

ClinVar aggregate classification (germline): Uncertain significance (1 of 4 stars; one submission).

Conditions:
DICER1-related tumor predisposition. Also called: DICER1-related pleuropulmonary blastoma cancer predisposition syndrome; DICER1 syndrome. Identifiers: Orphanet 284343, MedGen C3839822, MONDO:0100216.

Submission:

Labcorp Genetics (formerly Invitae), Labcorp
Classification: Uncertain significance for DICER1-related tumor predisposition. Last evaluated: 2025-03-12. Review status: criteria provided, single submitter. Criteria: Invitae Variant Classification Sherloc (09022015). Collection method: clinical testing. Allele origin: germline.
Comment: This sequence change replaces isoleucine, which is neutral and non-polar, with serine, which is neutral and polar, at codon 41 of the DICER1 protein (p.Ile41Ser). This variant is not present in population databases (gnomAD no frequency). This variant has not been reported in the literature in individuals affected with DICER1-related conditions. Invitae Evidence Modeling of protein sequence and biophysical properties (such as structural, functional, and spatial information, amino acid conservation, physicochemical variation, residue mobility, and thermodynamic stability) indicates that this missense variant is not expected to disrupt DICER1 protein function with a negative predictive value of 95%. In summary, the available evidence is currently insufficient to determine the role of this variant in disease. Therefore, it has been classified as a Variant of Uncertain Significance.

NM_177438.3(DICER1):c.122T>G (p.Ile41Ser)

Gene: DICER1 (dicer 1, ribonuclease III; minus strand). Cytogenetic location: 14q32.13.
Variant type: single nucleotide variant.
Coding change: c.122T>G on transcript NM_177438.3 (MANE Select); coding-DNA position 122, T replaced by G.
Protein change: p.Ile41Ser; replaces isoleucine 41 with serine.
Molecular consequence: missense variant. On other transcripts: 5 prime UTR variant (8), non-coding transcript variant (6), intron variant (1).
Genome position (GRCh38, 1-based): chr14:95,133,337, A>C on the plus strand (T>G on the coding strand, the complement: DICER1 is on the minus strand). VCF-style: chr14-95133337-A-C. GRCh37 (hg19) VCF-style: chr14-95599674-A-C.
Other names: c.122T>G, p.Ile41Ser (NM_001195573.1, NM_001271282.3, NM_001291628.2 and 14 more transcripts); c.-153T>G (NM_001395686.1, NM_001395688.1, NM_001395689.1 and 3 more transcripts); c.-337T>G (NM_001395691.1); c.-1447T>G (NM_001395697.1); c.-130-660T>G (NM_001395687.1); short protein forms I41S.
Identifiers: ClinVar variation 4746784 (VCV004746784.1).
Genomic context (GRCh38, chr14:95,133,337, plus strand): 5'-AGTGTAGAATGCTCCAGTATTAGTGTTCGCATTAGTACCTGATATTTTCTTGGCGTATAA[A>C]TGTTATCATGAATTGCTTCTTGTTGCCATGGCAGTCCAAAGAAAGGACCCATTGGTGAGG-3'
Protein context (NP_803187.1, residues 31-51): PWQQEAIHDN[Ile41Ser]YTPRKYQVEL